The following is an entry in ClinVar:

NM_015466.4(PTPN23):c.1094C>T (p.Ala365Val)

Gene: PTPN23 (protein tyrosine phosphatase non-receptor type 23; plus strand). Cytogenetic location: 3p21.31.
Variant type: single nucleotide variant.
Coding change: c.1094C>T on transcript NM_015466.4 (MANE Select); coding-DNA position 1094, C replaced by T.
Protein change: p.Ala365Val; replaces alanine 365 with valine.
Molecular consequence: missense variant.
Genome position (GRCh38, 1-based): chr3:47,407,787, C>T. VCF-style: chr3-47407787-C-T. GRCh37 (hg19) VCF-style: chr3-47449277-C-T.
Other names: c.716C>T, p.Ala239Val (NM_001304482.2); short protein forms A239V, A365V.
Identifiers: ClinVar variation 1481551 (VCV001481551.5), dbSNP rs777391422, ClinGen allele CA2365620.

ClinVar aggregate classification (germline): Uncertain significance (1 of 4 stars; one submission).

Allele frequency attached by ClinVar (database versions not stated): ExAC 0.00001; gnomAD exomes 0.00001; TOPMed 0.00001; gnomAD 0.00002.
gnomAD v4.1: 17 of 1,614,002 alleles (0.0011%); highest among the groups gnomAD compares: African/African-American, 0.0013%; no homozygotes.

Submission:

Labcorp Genetics (formerly Invitae), Labcorp
Classification: Uncertain significance. Last evaluated: 2022-09-19. Review status: criteria provided, single submitter. Criteria: Invitae Variant Classification Sherloc (09022015). Collection method: clinical testing. Allele origin: germline.
Comment: This sequence change replaces alanine, which is neutral and non-polar, with valine, which is neutral and non-polar, at codon 365 of the PTPN23 protein (p.Ala365Val). This variant is present in population databases (rs777391422, gnomAD 0.002%). This variant has not been reported in the literature in individuals affected with PTPN23-related conditions. ClinVar contains an entry for this variant (Variation ID: 1481551). Algorithms developed to predict the effect of missense changes on protein structure and function are either unavailable or do not agree on the potential impact of this missense change (SIFT: "Tolerated"; PolyPhen-2: "Not Available"; Align-GVGD: "Class C0"). In summary, the available evidence is currently insufficient to determine the role of this variant in disease. Therefore, it has been classified as a Variant of Uncertain Significance.